The following is an entry in ClinVar:

NM_020632.3(ATP6V0A4):c.1119A>G (p.Thr373=)

Gene: ATP6V0A4 (ATPase H+ transporting V0 subunit a4; minus strand). Cytogenetic location: 7q34.
Variant type: single nucleotide variant.
Coding change: c.1119A>G on transcript NM_020632.3 (MANE Select); coding-DNA position 1119, A replaced by G.
Protein change: p.Thr373=; no amino-acid change (threonine 373 retained).
Molecular consequence: synonymous variant.
Genome position (GRCh38, 1-based): chr7:138,749,228, T>C on the plus strand (A>G on the coding strand, the complement: ATP6V0A4 is on the minus strand). VCF-style: chr7-138749228-T-C. GRCh37 (hg19) VCF-style: chr7-138433973-T-C.
Other names: c.1119A>G (NM_020632.2); c.1119A>G, p.Thr373= (NM_130840.3, NM_130841.3).
Identifiers: ClinVar variation 2175168 (VCV002175168.6), dbSNP rs371799852, ClinGen allele CA4504887.

ClinVar aggregate classification (germline): Likely benign. Review status: criteria provided, single submitter (1 of 4 stars). 2 submissions from 2 submitters: Likely benign (1). 1 of the submissions does not count toward it. Last evaluated 2025-06-12.

Conditions:
ATP6V0A4-related disorder. Also called: ATP6V0A4-related condition.

Allele frequency attached by ClinVar (database versions not stated): gnomAD exomes 0.00001; ExAC 0.00005; TOPMed 0.00016; gnomAD 0.00017; ESP Exome Variant Server 0.00023.
gnomAD v4.1: 36 of 1,613,886 alleles (0.0022%); highest among the groups gnomAD compares: African/African-American, 0.045%; no homozygotes.

Submissions (2):

Labcorp Genetics (formerly Invitae), Labcorp
Classification: Likely benign. Last evaluated: 2025-06-12. Review status: criteria provided, single submitter. Criteria: Invitae Variant Classification Sherloc (09022015). Collection method: clinical testing. Allele origin: germline.

PreventionGenetics, part of Exact Sciences
Classification: Likely benign for ATP6V0A4-related condition. Last evaluated: 2019-06-26. Review status: no assertion criteria provided. Collection method: clinical testing. Allele origin: germline. Not counted in ClinVar's aggregate classification.
Comment: This variant is classified as likely benign based on ACMG/AMP sequence variant interpretation guidelines (Richards et al. 2015 PMID: 25741868, with internal and published modifications).